The following is an entry in ClinVar:

NM_001846.4(COL4A2):c.2821G>A (p.Gly941Arg)

Gene: COL4A2 (collagen type IV alpha 2 chain; plus strand). Cytogenetic location: 13q34.
Variant type: single nucleotide variant.
Coding change: c.2821G>A on transcript NM_001846.4 (MANE Select); coding-DNA position 2821, G replaced by A.
Protein change: p.Gly941Arg; replaces glycine 941 with arginine.
Molecular consequence: missense variant.
Genome position (GRCh38, 1-based): chr13:110,482,578, G>A. VCF-style: chr13-110482578-G-A. GRCh37 (hg19) VCF-style: chr13-111134925-G-A.
Other names: c.2821G>A (NM_001846.2); short protein forms G941R.
Identifiers: ClinVar variation 2736062 (VCV002736062.7), dbSNP rs2502163650, ClinGen allele CA388727354.

ClinVar aggregate classification (germline): Conflicting classifications of pathogenicity. Review status: criteria provided, conflicting classifications (1 of 4 stars). 5 submissions from 5 submitters: Pathogenic (2); Likely pathogenic (2); Uncertain significance (1). Last evaluated 2025-06-10.

Conditions:
COL4A2-related disorder. Also called: COL4A2-related disorders; COL4A2-related condition.
Bethlem myopathy 2 (BTHLM2). Identifiers: Orphanet 536516, Orphanet 610, MedGen C4225313, MONDO:0034022, OMIM 616471.
Brain small vessel disease 2A, autosomal dominant. Also called: Porencephaly 2. Identifiers: Orphanet 2940, Orphanet 99810, MedGen C3280970, MONDO:0013773, OMIM 614483.

Submissions (5):

Institute of Human Genetics, University of Leipzig Medical Center
Classification: Pathogenic for Brain small vessel disease 2A, autosomal dominant. Last evaluated: 2025-06-10. Review status: criteria provided, single submitter. Criteria: ACMG Guidelines, 2015. Collection method: clinical testing. Allele origin: unknown. Inheritance: Autosomal dominant inheritance. Affected: yes.
Comment: Criteria applied: PM1_STR,PS2_MOD,PM2,PS4_SUP,PP3

GeneDx
Classification: Pathogenic. Last evaluated: 2025-03-20. Review status: criteria provided, single submitter. Criteria: GeneDx Variant Classification Process June 2021. Collection method: clinical testing. Allele origin: germline. Affected: yes.
Comment: Affects a glycine residue in a Gly-X-Y motif in the triple helical region of the COL4A2 gene, where the majority of pathogenic missense variants occur, and is predicted to disrupt normal protein folding and function (HGMD; PMID: 22522439 23225343); Not observed at significant frequency in large population cohorts (gnomAD); In silico analysis supports that this missense variant has a deleterious effect on protein structure/function; This variant is associated with the following publications: (PMID: 22522439, 23225343, 39006838, 24390199)

Johns Hopkins Genomics, Johns Hopkins University
Classification: Likely pathogenic for Bethlem myopathy 2. Last evaluated: 2025-01-07. Review status: criteria provided, single submitter. Criteria: ACMG Guidelines, 2015. Collection method: clinical testing. Allele origin: germline.
Comment: This COL4A2 variant is absent from a large population dataset and has been reported in ClinVar. The glycine at this position is highly conserved across the vertebrate species assessed. This missense substitution occurs within the COL4A2 triple helical domain and is predicted to affect heterotrimer formation. We consider this variant to be likely pathogenic for autosomal dominant brain small vessel disease-2.

Labcorp Genetics (formerly Invitae), Labcorp
Classification: Uncertain significance. Last evaluated: 2023-08-03. Review status: criteria provided, single submitter. Criteria: Invitae Variant Classification Sherloc (09022015). Collection method: clinical testing. Allele origin: germline.
Comment: In summary, the available evidence is currently insufficient to determine the role of this variant in disease. Therefore, it has been classified as a Variant of Uncertain Significance. Advanced modeling of protein sequence and biophysical properties (such as structural, functional, and spatial information, amino acid conservation, physicochemical variation, residue mobility, and thermodynamic stability) has been performed at Invitae for this missense variant, however the output from this modeling did not meet the statistical confidence thresholds required to predict the impact of this variant on COL4A2 protein function. This missense change has been observed in individual(s) with clinical features of brain small vessel disease (PMID: 24390199). In at least one individual the variant was observed to be de novo. This variant is not present in population databases (gnomAD no frequency). This sequence change replaces glycine, which is neutral and non-polar, with arginine, which is basic and polar, at codon 941 of the COL4A2 protein (p.Gly941Arg).

Blueprint Genetics
Classification: Likely pathogenic for COL4A2-related disorders. Last evaluated: 2021-10-19. Review status: criteria provided, single submitter. Criteria: ACMG Guidelines, 2015. Collection method: clinical testing. Allele origin: de novo. Affected: yes. Observed: 1 variant allele.

Literature cited by the submitters: PubMed 22209247 (cited by Johns Hopkins Genomics, Johns Hopkins University); PubMed 22333902 (cited by Johns Hopkins Genomics, Johns Hopkins University); PubMed 24390199 (cited by Johns Hopkins Genomics, Johns Hopkins University and Labcorp Genetics (formerly Invitae), Labcorp); PubMed 27794444 (cited by Johns Hopkins Genomics, Johns Hopkins University).